The following is an entry in ClinVar:

ClinVar aggregate classification (germline): Pathogenic (1 of 4 stars; one submission).

Conditions:
Primary ciliary dyskinesia. Also called: Ciliary dyskinesia. Identifiers: Orphanet 244, MedGen C0008780, MONDO:0016575, HP:0012265.

Submission:

Labcorp Genetics (formerly Invitae), Labcorp
Classification: Pathogenic for Primary ciliary dyskinesia. Last evaluated: 2021-09-24. Review status: criteria provided, single submitter. Criteria: Invitae Variant Classification Sherloc (09022015). Collection method: clinical testing. Allele origin: germline.
Comment: This variant is a gross deletion of the genomic region encompassing exon(s) 2 of the DNAH5 gene. This variant would be expected to be in-frame, preserving the integrity of the reading frame. A similar copy number variant has been observed in individual(s) with primary ciliary dyskinesia (PMID: 26139845). In at least one individual the data is consistent with the variant being in trans (on the opposite chromosome) from a pathogenic variant. It has also been observed to segregate with disease in related individuals. For these reasons, this variant has been classified as Pathogenic.

Literature cited by the submitters: PubMed 26139845.

NC_000005.9:g.(?_13931199)_(13931373_?)del

Gene: DNAH5 (dynein axonemal heavy chain 5; minus strand). Cytogenetic location: 5p15.2.
Variant type: Deletion.
Identifiers: ClinVar variation 2424142 (VCV002424142.2).